The following is an entry in ClinVar:

ClinVar aggregate classification (germline): Uncertain significance. Review status: criteria provided, multiple submitters, no conflicts (2 of 4 stars). 2 submissions from 2 submitters: Uncertain significance (2). Last evaluated 2025-06-27.

Conditions:
Hereditary cancer-predisposing syndrome. Also called: Hereditary Cancer Syndrome; Neoplastic Syndromes, Hereditary; Tumor predisposition; Hereditary neoplastic syndrome. Identifiers: Orphanet 140162, MedGen C0027672, MeSH D009386, MONDO:0015356.
Ataxia-telangiectasia syndrome (AT). Also called: Cerebello-oculocutaneous telangiectasia; Immunodeficiency with ataxia telangiectasia; Ataxia-telangiectasia, complementation group E; Ataxia-telangiectasia, complementation group D; AT, COMPLEMENTATION GROUP C; ATAXIA-TELANGIECTASIA, COMPLEMENTATION GROUP A. Identifiers: Orphanet 100, MedGen C0004135, MONDO:0008840, OMIM 208900.

gnomAD v4.1: 2 of 1,613,494 alleles (0.00012%); highest among the groups gnomAD compares: Non-Finnish European, 0.00017%; no homozygotes.

Submissions (2):

Labcorp Genetics (formerly Invitae), Labcorp
Classification: Uncertain significance for Ataxia-telangiectasia syndrome. Last evaluated: 2025-06-27. Review status: criteria provided, single submitter. Criteria: Invitae Variant Classification Sherloc (09022015). Collection method: clinical testing. Allele origin: germline.
Comment: This sequence change replaces tyrosine, which is neutral and polar, with cysteine, which is neutral and slightly polar, at codon 2514 of the ATM protein (p.Tyr2514Cys). This variant is not present in population databases (gnomAD no frequency). This variant has not been reported in the literature in individuals affected with ATM-related conditions. ClinVar contains an entry for this variant (Variation ID: 524289). Invitae Evidence Modeling of protein sequence and biophysical properties (such as structural, functional, and spatial information, amino acid conservation, physicochemical variation, residue mobility, and thermodynamic stability) indicates that this missense variant is expected to disrupt ATM protein function with a positive predictive value of 95%. In summary, the available evidence is currently insufficient to determine the role of this variant in disease. Therefore, it has been classified as a Variant of Uncertain Significance.

Ambry Genetics
Classification: Uncertain significance for Hereditary cancer-predisposing syndrome. Last evaluated: 2020-05-22. Review status: criteria provided, single submitter. Criteria: Ambry Variant Classification Scheme 2023. Collection method: clinical testing. Allele origin: germline.
Comment: The p.Y2514C variant (also known as c.7541A>G), located in coding exon 50 of the ATM gene, results from an A to G substitution at nucleotide position 7541. The tyrosine at codon 2514 is replaced by cysteine, an amino acid with highly dissimilar properties. This amino acid position is well conserved in available vertebrate species. In addition, the in silico prediction for this alteration is inconclusive. Since supporting evidence is limited at this time, the clinical significance of this alteration remains unclear.

NM_000051.4(ATM):c.7541A>G (p.Tyr2514Cys)

Genes: C11orf65 (chromosome 11 open reading frame 65; minus strand), ATM (ATM serine/threonine kinase; plus strand). Cytogenetic location: 11q22.3.
Variant type: single nucleotide variant.
Coding change: c.7541A>G on transcript NM_000051.4 (MANE Select); coding-DNA position 7541, A replaced by G.
Protein change: p.Tyr2514Cys; replaces tyrosine 2514 with cysteine.
Molecular consequence: missense variant. On other transcripts: non-coding transcript variant (1), intron variant (2).
Genome position (GRCh38, 1-based): chr11:108,331,469, A>G. VCF-style: chr11-108331469-A-G. GRCh37 (hg19) VCF-style: chr11-108202196-A-G.
Other names: c.7541A>G, p.Tyr2514Cys (NM_001351834.2); c.641-22398T>C (NM_001330368.2); c.*38+3751T>C (NM_001351110.2); short protein forms Y2514C.
Identifiers: ClinVar variation 524289 (VCV000524289.9), dbSNP rs1555123994, ClinGen allele CA382560686.